The following is an entry in ClinVar:

NM_001267550.2(TTN):c.74968G>A (p.Gly24990Ser)

Genes: TTN-AS1 (TTN antisense RNA 1; plus strand), TTN (titin; minus strand). Cytogenetic location: 2q31.2.
Variant type: single nucleotide variant.
Coding change: c.74968G>A on transcript NM_001267550.2 (MANE Select); coding-DNA position 74968, G replaced by A.
Protein change: p.Gly24990Ser; replaces glycine 24990 with serine.
Molecular consequence: missense variant.
Genome position (GRCh38, 1-based): chr2:178,571,164, C>T on the plus strand (G>A on the coding strand, the complement: TTN is on the minus strand). VCF-style: chr2-178571164-C-T. GRCh37 (hg19) VCF-style: chr2-179435891-C-T.
Other names: c.70045G>A, p.Gly23349Ser (NM_001256850.1); c.47773G>A, p.Gly15925Ser (NM_003319.4); c.48148G>A, p.Gly16050Ser (NM_133432.3); c.48349G>A, p.Gly16117Ser (NM_133437.4); c.67264G>A, p.Gly22422Ser (NM_133378.4); short protein forms G22422S, G24990S, G16050S, G16117S, G23349S, G15925S.
Identifiers: ClinVar variation 165838 (VCV000165838.7), dbSNP rs727503561, ClinGen allele CA178504.

ClinVar aggregate classification (germline): Uncertain significance. Review status: criteria provided, multiple submitters, no conflicts (2 of 4 stars). 2 submissions from 2 submitters: Uncertain significance (2). Last evaluated 2014-01-17.

Conditions:
Myopathy, myofibrillar, 9, with early respiratory failure (MFM9). Also called: EDSTROM MYOPATHY; MYOPATHY, PROXIMAL, WITH EARLY RESPIRATORY MUSCLE INVOLVEMENT; Hereditary myopathy with early respiratory failure; Myopathy, distal, with early respiratory failure, autosomal dominant. Identifiers: Orphanet 178464, Orphanet 34521, MedGen C1863599, MONDO:0011362, OMIM 603689.
Tibial muscular dystrophy (TMD). Also called: Udd Distal Myopathy – Tibial Muscular Dystrophy; Tibial muscular dystrophy, tardive; UDD MYOPATHY. Identifiers: Orphanet 609, MedGen C1838244, MONDO:0010870, OMIM 600334.
Hypertrophic cardiomyopathy 9. Also called: Familial hypertrophic cardiomyopathy 9. Identifiers: MedGen C1861065, MONDO:0013412, OMIM 613765.
Autosomal recessive limb-girdle muscular dystrophy type 2J (LGMDR10). Also called: Limb-girdle muscular dystrophy, type 2J; MUSCULAR DYSTROPHY, LIMB-GIRDLE, AUTOSOMAL RECESSIVE 10. Identifiers: Orphanet 140922, MedGen C1837342, MONDO:0012127, OMIM 608807.
Early-onset myopathy with fatal cardiomyopathy (CMYO5). Also called: Salih Myopathy; CONGENITAL MYOPATHY 5 WITH CARDIOMYOPATHY. Identifiers: Orphanet 289377, MedGen C2673677, MONDO:0012714, OMIM 611705. Disease mechanism: loss of function.
Dilated cardiomyopathy 1G (CMD1G). Identifiers: Orphanet 154, MedGen C1858763, MONDO:0011400, OMIM 604145.

Allele frequency attached by ClinVar (database versions not stated): gnomAD 0.00001.
gnomAD v4.1: 10 of 1,613,364 alleles (0.00062%); highest among the groups gnomAD compares: East Asian, 0.018%; no homozygotes.

Submissions (2):

Laboratory for Molecular Medicine, Mass General Brigham Personalized Medicine
Classification: Uncertain significance. Last evaluated: 2014-01-17. Review status: criteria provided, single submitter. Criteria: LMM Criteria. Collection method: clinical testing. Allele origin: germline. Observed: 1 variant allele.
Comment: The Gly22422Ser variant in TTN has not been previously reported in individuals w ith cardiomyopathy or in large population studies. Computational analyses (bioch emical amino acid properties, conservation, AlignGVGD, PolyPhen2, and SIFT) do n ot provide strong support for or against an impact to the protein. Additional in formation is needed to fully assess the clinical significance of this variant.

Juno Genomics, Hangzhou Juno Genomics, Inc
Classification: Uncertain significance for Hypertrophic cardiomyopathy 9; Myopathy, myofibrillar, 9, with early respiratory failure; Tibial muscular dystrophy; Early-onset myopathy with fatal cardiomyopathy; Dilated cardiomyopathy 1G; Autosomal recessive limb-girdle muscular dystrophy type 2J. Review status: criteria provided, single submitter. Criteria: ACMG Guidelines, 2015. Collection method: clinical testing. Allele origin: germline.
Comment: Missense variant in a gene that has a low rate of benign missense variation.;Multiple lines of computational evidence support a deleterious effect on the gene or gene product.;Absent from controls (or at extremely low frequency if recessive) in Genome Aggregation Database.